The following is an entry in ClinVar:

ClinVar aggregate classification (germline): Conflicting classifications of pathogenicity. Review status: criteria provided, conflicting classifications (1 of 4 stars). 4 submissions from 4 submitters: Uncertain significance (2); Likely benign (2). Last evaluated 2024-09-06.

Conditions:
Cardiomyopathy (CMYO). Also called: Cardiomyopathies. Identifiers: Orphanet 167848, MedGen C0878544, MONDO:0004994, HP:0001638. Inheritance: Various modes of inheritance.
Arrhythmogenic right ventricular dysplasia 5. Also called: Arrhythmogenic Right Ventricular Dysplasia/Cardiomyopathy 5; ARRHYTHMOGENIC RIGHT VENTRICULAR DYSPLASIA, FAMILIAL, 5. Identifiers: MedGen C1858379, MONDO:0011459, OMIM 604400.

Allele frequency attached by ClinVar (database versions not stated): TOPMed below 0.00001; gnomAD 0.00001; gnomAD exomes below 0.00001.
gnomAD v4.1: 3 of 1,614,034 alleles (0.00019%); highest among the groups gnomAD compares: Middle Eastern, 0.033%; no homozygotes.

Submissions (4):

Color Diagnostics, LLC DBA Color Health
Classification: Likely benign for Cardiomyopathy. Last evaluated: 2024-09-06. Review status: criteria provided, single submitter. Criteria: ACMG Guidelines, 2015. Collection method: clinical testing. Allele origin: germline.

Labcorp Genetics (formerly Invitae), Labcorp
Classification: Uncertain significance for Arrhythmogenic right ventricular dysplasia 5. Last evaluated: 2024-06-30. Review status: criteria provided, single submitter. Criteria: Invitae Variant Classification Sherloc (09022015). Collection method: clinical testing. Allele origin: germline.
Comment: This sequence change replaces methionine, which is neutral and non-polar, with valine, which is neutral and non-polar, at codon 321 of the TMEM43 protein (p.Met321Val). This variant is not present in population databases (gnomAD no frequency). This variant has not been reported in the literature in individuals affected with TMEM43-related conditions. ClinVar contains an entry for this variant (Variation ID: 46157). Advanced modeling of protein sequence and biophysical properties (such as structural, functional, and spatial information, amino acid conservation, physicochemical variation, residue mobility, and thermodynamic stability) performed at Invitae indicates that this missense variant is not expected to disrupt TMEM43 protein function with a negative predictive value of 80%. In summary, the available evidence is currently insufficient to determine the role of this variant in disease. Therefore, it has been classified as a Variant of Uncertain Significance.

All of Us Research Program, National Institutes of Health
Classification: Likely benign for Arrhythmogenic right ventricular dysplasia 5. Last evaluated: 2023-03-07. Review status: criteria provided, single submitter. Criteria: ACMG Guidelines, 2015. Collection method: clinical testing. Allele origin: germline. Inheritance: Autosomal dominant inheritance. Observed: 1 variant allele, 1 heterozygote.
Comment: This study involves interpretation of variants in research participants for the purpose of population health screening. Participant phenotype was not available at the time of variant classification. Additional details can be found in publication PMID: 35346344, PMCID: PMC8962531

Laboratory for Molecular Medicine, Mass General Brigham Personalized Medicine
Classification: Uncertain significance. Last evaluated: 2011-12-20. Review status: criteria provided, single submitter. Criteria: LMM Criteria. Collection method: clinical testing. Allele origin: germline. Observed: 1 variant allele.
Comment: Variant classified as Uncertain Significance - Favor Benign. The Met321Val varia nt has not been reported nor previously identified by our laboratory. Methionine (Met) at position 321 is not fully conserved in mammals, as opossum and more di stantly related species carry a valine (Val, this variant); this increases the l ikelihood that this change would be tolerated. Computational tools (AlignGVGD, P olyPhen2, SIFT) predict that a change to valine would not impact the protein, th ough the accuracy of these tools is unclear. Collectively, this data suggests th at the Met321Val variant may be benign, but additional information is needed to fully assess its clinical significance.

NM_024334.3(TMEM43):c.961A>G (p.Met321Val)

Gene: TMEM43 (transmembrane protein 43; plus strand). Cytogenetic location: 3p25.1.
Variant type: single nucleotide variant.
Coding change: c.961A>G on transcript NM_024334.3 (MANE Select); coding-DNA position 961, A replaced by G.
Protein change: p.Met321Val; replaces methionine 321 with valine.
Molecular consequence: missense variant.
Genome position (GRCh38, 1-based): chr3:14,139,258, A>G. VCF-style: chr3-14139258-A-G. GRCh37 (hg19) VCF-style: chr3-14180758-A-G.
Other names: short protein forms M321V.
Identifiers: ClinVar variation 46157 (VCV000046157.19), dbSNP rs397517387, ClinGen allele CA024808.